The following is an entry in ClinVar:

ClinVar aggregate classification (germline): Benign. Review status: criteria provided, multiple submitters, no conflicts (2 of 4 stars). 5 submissions from 5 submitters: Benign (5). Last evaluated 2023-03-21.

Conditions:
Autism (AUTS). Also called: Autistic disorder; Autistic disorder of childhood onset. Identifiers: MedGen C0004352, MeSH D001321, MONDO:0005260, OMIM 209850, HP:0000717.

Allele frequency attached by ClinVar (database versions not stated): 1000 Genomes Project 0.00639; TOPMed 0.00672; 1000 Genomes Project 30x 0.00687; gnomAD exomes 0.00741 and 0.00191; ESP Exome Variant Server 0.00118; gnomAD 0.00467 and 0.00469; ExAC 0.00548.
gnomAD v4.1: 3,499 of 1,613,704 alleles (0.22%); highest among the groups gnomAD compares: Admixed American, 4.6%; 83 homozygotes.

Submissions (5):

Mayo Clinic Laboratories, Mayo Clinic
Classification: Benign. Last evaluated: 2023-03-21. Review status: criteria provided, single submitter. Criteria: ACMG Guidelines, 2015. Collection method: clinical testing. Allele origin: germline. Observed: 4 variant alleles.
Comment: BS1, BS2, BP4

Labcorp Genetics (formerly Invitae), Labcorp
Classification: Benign. Last evaluated: 2019-12-31. Review status: criteria provided, single submitter. Criteria: Invitae Variant Classification Sherloc (09022015). Collection method: clinical testing. Allele origin: germline.

Center for Pediatric Genomic Medicine, Children's Mercy Hospital and Clinics
Classification: Benign. Last evaluated: 2017-06-20. Review status: criteria provided, single submitter. Criteria: ACMG Guidelines, 2015. Collection method: clinical testing. Allele origin: germline.

Breakthrough Genomics
Classification: Benign. Review status: criteria provided, single submitter. Criteria: ACMG Guidelines, 2015. Collection method: not provided. Allele origin: germline. Inheritance: Unknown mechanism. Affected: yes.

Broad Center for Mendelian Genomics, Broad Institute of MIT and Harvard
Classification: Benign for Autism. Review status: criteria provided, single submitter. Criteria: ACMG Guidelines, 2015. Collection method: research. Allele origin: germline. Inheritance: Autosomal dominant inheritance. Affected: yes.
Comment: The homozygous p.Arg1165Cys variant, sometimes called p.Arg125Cys due to a difference in cDNA numbering, in CLTCL1 has been identified in 2 siblings from 1 family with autism (PMID: 22511880), and has been identified in >4% of Latino chromosomes and 6 homozygotes by ExAC. In summary, this variant meets criteria to be classified as benign for autism.

Literature cited by the submitters: PubMed 31354784 (cited by Mayo Clinic Laboratories, Mayo Clinic); PubMed 22511880 (cited by Broad Center for Mendelian Genomics, Broad Institute of MIT and Harvard).

NM_007098.4(CLTCL1):c.3493C>T (p.Arg1165Cys)

Gene: CLTCL1 (clathrin heavy chain like 1; minus strand). Cytogenetic location: 22q11.21.
Variant type: single nucleotide variant.
Coding change: c.3493C>T on transcript NM_007098.4 (MANE Select); coding-DNA position 3493, C replaced by T.
Protein change: p.Arg1165Cys; replaces arginine 1165 with cysteine.
Molecular consequence: missense variant.
Genome position (GRCh38, 1-based): chr22:19,208,261, G>A on the plus strand (C>T on the coding strand, the complement: CLTCL1 is on the minus strand). VCF-style: chr22-19208261-G-A. GRCh37 (hg19) VCF-style: chr22-19195771-G-A.
Other names: p.Arg1165Cys; c.3493C>T, p.Arg1165Cys (NM_001835.4); short protein forms R1165C.
Identifiers: ClinVar variation 445797 (VCV000445797.9), dbSNP rs190351859, ClinGen allele CA10098083.